The following is an entry in ClinVar:

ClinVar aggregate classification (germline): Likely benign (0 of 4 stars; one submission).

Conditions:
MYH9-related disorder. Identifiers: MedGen C1854520.

Submission:

PreventionGenetics, part of Exact Sciences
Classification: Likely benign for MYH9-related condition. Last evaluated: 2024-03-27. Review status: no assertion criteria provided. Collection method: clinical testing. Allele origin: germline.
Comment: This variant is classified as likely benign based on ACMG/AMP sequence variant interpretation guidelines (Richards et al. 2015 PMID: 25741868, with internal and published modifications).

NM_002473.6(MYH9):c.1338C>G (p.Ser446=)

Gene: MYH9 (myosin heavy chain 9; minus strand). Cytogenetic location: 22q12.3.
Variant type: single nucleotide variant.
Coding change: c.1338C>G on transcript NM_002473.6 (MANE Select); coding-DNA position 1338, C replaced by G.
Protein change: p.Ser446=; no amino-acid change (serine 446 retained).
Molecular consequence: synonymous variant.
Genome position (GRCh38, 1-based): chr22:36,316,559, G>C on the plus strand (C>G on the coding strand, the complement: MYH9 is on the minus strand). VCF-style: chr22-36316559-G-C. GRCh37 (hg19) VCF-style: chr22-36712604-G-C.
Identifiers: ClinVar variation 3350033 (VCV003350033.1).